The following is an entry in ClinVar:

ClinVar aggregate classification (germline): Benign. Review status: criteria provided, multiple submitters, no conflicts (2 of 4 stars). 2 submissions from 2 submitters: Benign (2). Last evaluated 2023-11-12.

Submissions (2):

Unidad de Genómica Garrahan, Hospital de Pediatría Garrahan
Classification: Benign. Last evaluated: 2023-11-12. Review status: criteria provided, single submitter. Criteria: ACMG Guidelines, 2015. Collection method: clinical testing. Allele origin: germline. Affected: no. Observed: 34 variant alleles.
Comment: This variant is classified as Benign based on local population frequency. This variant was detected in 35% of patients studied by a panel of primary immunodeficiencies. Number of patients: 34. Only high quality variants are reported.

GeneDx
Classification: Benign. Last evaluated: 2018-11-12. Review status: criteria provided, single submitter. Criteria: GeneDx Variant Classification Process June 2021. Collection method: clinical testing. Allele origin: germline. Affected: yes.

NM_199242.3(UNC13D):c.1056-89_1056-88insGGTTCTCCACCAGGGGCCCTGGAGGA

Gene: UNC13D (unc-13 homolog D; minus strand). Cytogenetic location: 17q25.1.
Variant type: Microsatellite.
Coding change: c.1056-89_1056-88insGGTTCTCCACCAGGGGCCCTGGAGGA on transcript NM_199242.3 (MANE Select); 89 bases into the intron before coding-DNA position 1056 through 88 bases into the intron before coding-DNA position 1056, GGTTCTCCACCAGGGGCCCTGGAGGA inserted.
Molecular consequence: intron variant.
Genome position: GRCh38 VCF-style: chr17-75837006-C-CCCTCCTCCAGGGCCCCTGGTGGAGAA. GRCh37 (hg19) VCF-style: chr17-73833087-C-CCCTCCTCCAGGGCCCCTGGTGGAGAA.
Identifiers: ClinVar variation 1229531 (VCV001229531.5), dbSNP rs142821095.